The following is an entry in ClinVar:

NM_000210.4(ITGA6):c.2777T>C (p.Leu926Pro)

Genes: ITGA6 (integrin subunit alpha 6; plus strand), PDK1-AS1 (PDK1 and ITGA6 antisense RNA 1; minus strand). Cytogenetic location: 2q31.1.
Variant type: single nucleotide variant.
Coding change: c.2777T>C on transcript NM_000210.4 (MANE Select); coding-DNA position 2777, T replaced by C.
Protein change: p.Leu926Pro; replaces leucine 926 with proline.
Molecular consequence: missense variant.
Genome position (GRCh38, 1-based): chr2:172,491,121, T>C. VCF-style: chr2-172491121-T-C. GRCh37 (hg19) VCF-style: chr2-173355849-T-C.
Other names: c.2777T>C, p.Leu926Pro (NM_001079818.3); c.2420T>C, p.Leu807Pro (NM_001316306.2); c.2732T>C, p.Leu911Pro (NM_001365529.2, NM_001365530.2); short protein forms L807P, L911P, L926P.
Identifiers: ClinVar variation 892584 (VCV000892584.6), dbSNP rs775389058, ClinGen allele CA1968480.

ClinVar aggregate classification (germline): Uncertain significance. Review status: criteria provided, multiple submitters, no conflicts (2 of 4 stars). 2 submissions from 2 submitters: Uncertain significance (2). Last evaluated 2025-03-31.

Conditions:
Junctional epidermolysis bullosa with pyloric atresia. Also called: APLASIA CUTIS CONGENITA WITH GASTROINTESTINAL ATRESIA; CARMI SYNDROME; EB-PA-ACC; EPIDERMOLYSIS BULLOSA, JUNCTIONAL 5B, WITH PYLORIC ATRESIA; ITGB4-Related Epidermolysis Bullosa with Pyloric Atresia; ITGA6-Related Epidermolysis Bullosa with Pyloric Atresia. Identifiers: Orphanet 79403, MedGen C5676875, MONDO:0009183, OMIM 226730.

Allele frequency attached by ClinVar (database versions not stated): TOPMed below 0.00001; ExAC 0.00001; gnomAD exomes 0.00001.
gnomAD v4.1: 15 of 1,487,564 alleles (0.001%); highest among the groups gnomAD compares: Non-Finnish European, 0.0013%; no homozygotes.

Submissions (2):

Labcorp Genetics (formerly Invitae), Labcorp
Classification: Uncertain significance. Last evaluated: 2025-03-31. Review status: criteria provided, single submitter. Criteria: Invitae Variant Classification Sherloc (09022015). Collection method: clinical testing. Allele origin: germline.
Comment: This sequence change replaces leucine, which is neutral and non-polar, with proline, which is neutral and non-polar, at codon 926 of the ITGA6 protein (p.Leu926Pro). This variant is present in population databases (rs775389058, gnomAD 0.003%). This variant has not been reported in the literature in individuals affected with ITGA6-related conditions. ClinVar contains an entry for this variant (Variation ID: 892584). An algorithm developed to predict the effect of missense changes on protein structure and function (PolyPhen-2) suggests that this variant is likely to be disruptive. In summary, the available evidence is currently insufficient to determine the role of this variant in disease. Therefore, it has been classified as a Variant of Uncertain Significance.

Illumina Laboratory Services, Illumina
Classification: Uncertain significance for Junctional epidermolysis bullosa with pyloric atresia. Last evaluated: 2018-01-13. Review status: criteria provided, single submitter. Criteria: ICSL Variant Classification Criteria 13 December 2019. Collection method: clinical testing. Allele origin: germline.